The following is an entry in ClinVar:

ClinVar aggregate classification (germline): Uncertain significance (1 of 4 stars; one submission).

Conditions:
PLEC-related disorder. Also called: PLEC-related condition; PLEC-related disorders.

gnomAD v4.1: 20 of 1,564,474 alleles (0.0013%); highest among the groups gnomAD compares: South Asian, 0.0081%; 1 homozygote.

Submission:

PreventionGenetics, part of Exact Sciences
Classification: Uncertain significance for PLEC-related condition. Last evaluated: 2026-03-03. Review status: criteria provided, single submitter. Criteria: ACMG Guidelines, 2015. Collection method: clinical testing. Allele origin: germline.
Comment: The PLEC c.10G>A variant is predicted to result in the amino acid substitution p.Gly4Ser. To our knowledge, this variant has not been reported in the literature. This variant is reported in 0.0041% of alleles in individuals of South Asian descent in gnomAD. At this time, the clinical significance of this variant is uncertain due to the absence of conclusive functional and genetic evidence.

NM_201378.4(PLEC):c.71-12005G>A

Gene: PLEC (plectin; minus strand). Cytogenetic location: 8q24.3.
Variant type: single nucleotide variant.
Coding change: c.71-12005G>A on transcript NM_201378.4 (MANE Plus Clinical); 12005 bases into the intron before coding-DNA position 71, G replaced by A.
Molecular consequence: intron variant. On other transcripts: missense variant (1).
Genome position (GRCh38, 1-based): chr8:143,950,697, C>T on the plus strand (G>A on the coding strand, the complement: PLEC is on the minus strand). VCF-style: chr8-143950697-C-T. GRCh37 (hg19) VCF-style: chr8-145024865-C-T.
Other names: c.10G>A, p.Gly4Ser (NM_201380.4); c.194-12005G>A (NM_001410941.1, NM_000445.5); c.46+3029G>A (NM_201379.3); short protein forms G4S.
Identifiers: ClinVar variation 4989344 (VCV004989344.1).